The following is an entry in ClinVar:

ClinVar aggregate classification (germline): Pathogenic (1 of 4 stars; one submission).

Conditions:
Peters plus syndrome. Also called: KRAUSE-KIVLIN SYNDROME. Identifiers: Orphanet 709, MedGen C0796012, MONDO:0009856, OMIM 261540.

Submission:

Labcorp Genetics (formerly Invitae), Labcorp
Classification: Pathogenic for Peters plus syndrome. Last evaluated: 2026-01-07. Review status: criteria provided, single submitter. Criteria: Invitae Variant Classification Sherloc (09022015). Collection method: clinical testing. Allele origin: germline.
Comment: This sequence change creates a premature translational stop signal (p.Leu101Lysfs*15) in the B3GLCT gene. It is expected to result in an absent or disrupted protein product. Loss-of-function variants in B3GLCT are known to be pathogenic (PMID: 18798333, 23889335). This variant is not present in population databases (gnomAD no frequency). This variant has not been reported in the literature in individuals affected with B3GLCT-related conditions. Algorithms developed to predict the effect of sequence changes on RNA splicing suggest that this variant may disrupt the consensus splice site. For these reasons, this variant has been classified as Pathogenic.

Literature cited by the submitters: PubMed 18798333; PubMed 23889335.

NM_194318.4(B3GLCT):c.301_313del (p.Leu101fs)

Gene: B3GLCT (beta 3-glucosyltransferase; plus strand). Cytogenetic location: 13q12.3.
Variant type: Deletion.
Coding change: c.301_313del on transcript NM_194318.4 (MANE Select); coding-DNA positions 301 to 313, 13 bases deleted (CTGGCTAAACAAG).
Protein change: p.Leu101fs; shifts the reading frame from leucine 101.
Molecular consequence: frameshift variant.
Genome position (GRCh38, 1-based): chr13:31,247,053-31,247,065, CTGGCTAAACAAG deleted; deleting any 13 consecutive bases within chr13:31,247,051-31,247,065 gives the same sequence; the c. name uses the placement nearest the transcript's 3' end. VCF-style (leftmost placement, unchanged base first): chr13-31247050-CAGCTGGCTAAACA-C. GRCh37 (hg19) VCF-style: chr13-31821187-CAGCTGGCTAAACA-C.
Other names: short protein forms L101fs.
Identifiers: ClinVar variation 4734897 (VCV004734897.1).